The following is an entry in ClinVar:

ClinVar aggregate classification (germline): Uncertain significance. Review status: criteria provided, multiple submitters, no conflicts (2 of 4 stars). 2 submissions from 2 submitters: Uncertain significance (2). Last evaluated 2026-01-19.

Conditions:
DICER1-related tumor predisposition. Also called: DICER1-related pleuropulmonary blastoma cancer predisposition syndrome; DICER1 syndrome. Identifiers: Orphanet 284343, MedGen C3839822, MONDO:0100216.
Hereditary cancer-predisposing syndrome. Also called: Neoplastic Syndromes, Hereditary; Hereditary Cancer Syndrome; Tumor predisposition; Hereditary neoplastic syndrome. Identifiers: Orphanet 140162, MedGen C0027672, MeSH D009386, MONDO:0015356.

Submissions (2):

Labcorp Genetics (formerly Invitae), Labcorp
Classification: Uncertain significance for DICER1-related tumor predisposition. Last evaluated: 2026-01-19. Review status: criteria provided, single submitter. Criteria: Invitae Variant Classification Sherloc (09022015). Collection method: clinical testing. Allele origin: germline.
Comment: This sequence change replaces glycine, which is neutral and non-polar, with aspartic acid, which is acidic and polar, at codon 706 of the DICER1 protein (p.Gly706Asp). This variant is not present in population databases (gnomAD no frequency). This variant has not been reported in the literature in individuals affected with DICER1-related conditions. ClinVar contains an entry for this variant (Variation ID: 1466327). Invitae Evidence Modeling of protein sequence and biophysical properties (such as structural, functional, and spatial information, amino acid conservation, physicochemical variation, residue mobility, and thermodynamic stability) indicates that this missense variant is expected to disrupt DICER1 protein function with a positive predictive value of 95%. In summary, the available evidence is currently insufficient to determine the role of this variant in disease. Therefore, it has been classified as a Variant of Uncertain Significance.

Ambry Genetics
Classification: Uncertain significance for Hereditary cancer-predisposing syndrome. Last evaluated: 2021-09-09. Review status: criteria provided, single submitter. Criteria: Ambry Variant Classification Scheme 2023. Collection method: clinical testing. Allele origin: germline.
Comment: The p.G706D variant (also known as c.2117G>A), located in coding exon 13 of the DICER1 gene, results from a G to A substitution at nucleotide position 2117. This variant impacts the first base pair of coding exon 13. The glycine at codon 706 is replaced by aspartic acid, an amino acid with similar properties. This amino acid position is highly conserved in available vertebrate species. In addition, the in silico prediction for this alteration is inconclusive. Since supporting evidence is limited at this time, the clinical significance of this alteration remains unclear.

NM_177438.3(DICER1):c.2117G>A (p.Gly706Asp)

Gene: DICER1 (dicer 1, ribonuclease III; minus strand). Cytogenetic location: 14q32.13.
Variant type: single nucleotide variant.
Coding change: c.2117G>A on transcript NM_177438.3 (MANE Select); coding-DNA position 2117, G replaced by A.
Protein change: p.Gly706Asp; replaces glycine 706 with aspartic acid.
Molecular consequence: missense variant.
Genome position (GRCh38, 1-based): chr14:95,111,456, C>T on the plus strand (G>A on the coding strand, the complement: DICER1 is on the minus strand). VCF-style: chr14-95111456-C-T. GRCh37 (hg19) VCF-style: chr14-95577793-C-T.
Other names: c.2117G>A, p.Gly706Asp (NM_001195573.1, NM_001271282.3, NM_001291628.2 and 1 more transcripts); short protein forms G706D.
Identifiers: ClinVar variation 1466327 (VCV001466327.11), dbSNP rs2140068770, ClinGen allele CA390882947.